The following is an entry in ClinVar:

ClinVar aggregate classification (germline): Uncertain significance (1 of 4 stars; one submission).

Submission:

GeneDx
Classification: Uncertain significance. Last evaluated: 2022-04-13. Review status: criteria provided, single submitter. Criteria: GeneDx Variant Classification Process June 2021. Collection method: clinical testing. Allele origin: germline. Affected: yes.
Comment: Not observed at significant frequency in large population cohorts (gnomAD); In silico analysis supports that this missense variant does not alter protein structure/function; Has not been previously published as pathogenic or benign to our knowledge; Variants in candidate genes are classified as variants of uncertain significance in accordance with ACMG guidelines (Richards et al., 2015)

NM_001261826.3(AP3D1):c.2282C>G (p.Pro761Arg)

Gene: AP3D1 (adaptor related protein complex 3 subunit delta 1; minus strand). Cytogenetic location: 19p13.3.
Variant type: single nucleotide variant.
Coding change: c.2282C>G on transcript NM_001261826.3 (MANE Select); coding-DNA position 2282, C replaced by G.
Protein change: p.Pro761Arg; replaces proline 761 with arginine.
Molecular consequence: missense variant.
Genome position (GRCh38, 1-based): chr19:2,115,286, G>C on the plus strand (C>G on the coding strand, the complement: AP3D1 is on the minus strand). VCF-style: chr19-2115286-G-C. GRCh37 (hg19) VCF-style: chr19-2115285-G-C.
Other names: c.2282C>G, p.Pro761Arg (NM_001374799.1, NM_003938.8); short protein forms P761R.
Identifiers: ClinVar variation 4532353 (VCV004532353.1).
Genomic context (GRCh38, chr19:2,115,286, plus strand): 5'-ATCTCCTCTGTGACGATGTCCACCTGCTGGGCAGGGGCGATGTCCTCGTCGCTCTCCGTG[G>C]GCAGCGAGCTGTGGCGGCGCTTGCCCTTCTTCTCCTTCTCCTTCCTCTTTTTCCTCCTCT-3'
Protein context (NP_001248755.1, residues 751-771): KKGKRRHSSL[Pro761Arg]TESDEDIAPA